The following is an entry in ClinVar:

NM_001614.5(ACTG1):c.218A>G (p.His73Arg)

Gene: ACTG1 (actin gamma 1; minus strand). Cytogenetic location: 17q25.3.
Variant type: single nucleotide variant.
Coding change: c.218A>G on transcript NM_001614.5 (MANE Select); coding-DNA position 218, A replaced by G.
Protein change: p.His73Arg; replaces histidine 73 with arginine.
Molecular consequence: missense variant. On other transcripts: non-coding transcript variant (1).
Genome position (GRCh38, 1-based): chr17:81,512,048, T>C on the plus strand (A>G on the coding strand, the complement: ACTG1 is on the minus strand). VCF-style: chr17-81512048-T-C. GRCh37 (hg19) VCF-style: chr17-79479074-T-C.
Other names: c.218A>G, p.His73Arg (NM_001199954.3); short protein forms H73R.
Identifiers: ClinVar variation 5000856 (VCV005000856.1).

ClinVar aggregate classification (germline): Uncertain significance (1 of 4 stars; one submission).

Conditions:
ACTG1-related disorder. Also called: ACTG1-related disorders; ACTG1-related condition.

Submission:

PreventionGenetics, part of Exact Sciences
Classification: Uncertain significance for ACTG1-related condition. Last evaluated: 2026-04-13. Review status: criteria provided, single submitter. Criteria: ACMG Guidelines, 2015. Collection method: clinical testing. Allele origin: germline.
Comment: The ACTG1 c.218A>G variant is predicted to result in the amino acid substitution p.His73Arg. To our knowledge, this variant has not been reported in the literature or in a large population database (gnomAD), indicating this variant is rare. At this time, the clinical significance of this variant is uncertain due to the absence of conclusive functional and genetic evidence.